The following is an entry in ClinVar:

ClinVar aggregate classification (germline): Uncertain significance (1 of 4 stars; one submission).

Conditions:
Hereditary nonpolyposis colorectal neoplasms. Identifiers: MedGen C0009405, MeSH D003123.

Allele frequency attached by ClinVar (database versions not stated): ExAC 0.00001; gnomAD 0.00002; TOPMed 0.00002; gnomAD exomes 0.00003 and 0.00006; ESP Exome Variant Server 0.00008.
gnomAD v4.1: 97 of 1,613,870 alleles (0.006%); highest among the groups gnomAD compares: Non-Finnish European, 0.0077%; no homozygotes.

Submission:

Labcorp Genetics (formerly Invitae), Labcorp
Classification: Uncertain significance for Hereditary nonpolyposis colorectal neoplasms. Last evaluated: 2021-09-02. Review status: criteria provided, single submitter. Criteria: Invitae Variant Classification Sherloc (09022015). Collection method: clinical testing. Allele origin: germline.
Comment: This sequence change replaces isoleucine with threonine at codon 272 of the EPCAM protein (p.Ile272Thr). The isoleucine residue is highly conserved and there is a moderate physicochemical difference between isoleucine and threonine. This variant is present in population databases (rs377276151, ExAC 0.002%). This variant has not been reported in the literature in individuals affected with EPCAM-related conditions. ClinVar contains an entry for this variant (Variation ID: 136031). Algorithms developed to predict the effect of missense changes on protein structure and function (SIFT, PolyPhen-2, Align-GVGD) all suggest that this variant is likely to be disruptive. In summary, the available evidence is currently insufficient to determine the role of this variant in disease. Therefore, it has been classified as a Variant of Uncertain Significance.

NM_002354.3(EPCAM):c.815T>C (p.Ile272Thr)

Gene: EPCAM (epithelial cell adhesion molecule; plus strand). Cytogenetic location: 2p21.
Variant type: single nucleotide variant.
Coding change: c.815T>C on transcript NM_002354.3 (MANE Select); coding-DNA position 815, T replaced by C.
Protein change: p.Ile272Thr; replaces isoleucine 272 with threonine.
Molecular consequence: missense variant.
Genome position (GRCh38, 1-based): chr2:47,379,926, T>C. VCF-style: chr2-47379926-T-C. GRCh37 (hg19) VCF-style: chr2-47607065-T-C.
Other names: short protein forms I272T.
Identifiers: ClinVar variation 136031 (VCV000136031.7), dbSNP rs377276151, ClinGen allele CA332803.
Genomic context (GRCh38, chr2:47,379,926, plus strand): 5'-TTGATGAAAAAGCACCTGAATTCTCAATGCAGGGTCTAAAAGCTGGTGTTATTGCTGTTA[T>C]TGTGGTTGTGGTGATAGCAGTTGTTGCTGGAATTGTTGTGCTGGTGAGTACAGAACAAGT-3'
Protein context (NP_002345.2, residues 262-282): QGLKAGVIAV[Ile272Thr]VVVVIAVVAG